The following is an entry in ClinVar:

ClinVar aggregate classification (germline): Uncertain significance (1 of 4 stars; one submission).

Conditions:
Epidermolysis bullosa simplex 5C, with pyloric atresia (EBS5C). Also called: PLEC-Related Epidermolysis Bullosa with Pyloric Atresia; Epidermolysis bullosa simplex with pyloric atresia; PLEC1-Related Epidermolysis Bullosa with Pyloric Atresia. Identifiers: Orphanet 158684, MedGen C2677349, MONDO:0012807, OMIM 612138.
Autosomal recessive limb-girdle muscular dystrophy type 2Q (LGMDR17). Also called: MUSCULAR DYSTROPHY, LIMB-GIRDLE, AUTOSOMAL RECESSIVE 17. Identifiers: Orphanet 254361, MedGen C3150989, MONDO:0013390, OMIM 613723.
Epidermolysis bullosa simplex 5B, with muscular dystrophy (EBS5B). Also called: Epidermolysis bullosa simplex with muscular dystrophy; EPIDERMOLYSIS BULLOSA SIMPLEX AND LIMB-GIRDLE MUSCULAR DYSTROPHY. Identifiers: Orphanet 257, MedGen C2931072, MONDO:0009181, OMIM 226670.
Epidermolysis bullosa simplex, Ogna type (EBS5A). Also called: EPIDERMOLYSIS BULLOSA SIMPLEX 5A, OGNA TYPE; Pidermolysis bullosa simplex 5A, Ogna type. Identifiers: Orphanet 79401, MedGen C0432317, MONDO:0007555, OMIM 131950.
Epidermolysis bullosa simplex with nail dystrophy (EBS5D). Identifiers: MedGen C4225309, MONDO:0014661, OMIM 616487.

Submission:

Labcorp Genetics (formerly Invitae), Labcorp
Classification: Uncertain significance for Autosomal recessive limb-girdle muscular dystrophy type 2Q; Epidermolysis bullosa simplex, Ogna type; Epidermolysis bullosa simplex with nail dystrophy; Epidermolysis bullosa simplex 5C, with pyloric atresia; Epidermolysis bullosa simplex 5B, with muscular dystrophy. Last evaluated: 2022-07-23. Review status: criteria provided, single submitter. Criteria: Invitae Variant Classification Sherloc (09022015). Collection method: clinical testing. Allele origin: germline.
Comment: This variant has not been reported in the literature in individuals affected with PLEC-related conditions. This variant is not present in population databases (gnomAD no frequency). This sequence change replaces histidine, which is basic and polar, with leucine, which is neutral and non-polar, at codon 1406 of the PLEC protein (p.His1406Leu). Algorithms developed to predict the effect of missense changes on protein structure and function are either unavailable or do not agree on the potential impact of this missense change (SIFT: "Deleterious"; PolyPhen-2: "Not Available"; Align-GVGD: "Class C35"). In summary, the available evidence is currently insufficient to determine the role of this variant in disease. Therefore, it has been classified as a Variant of Uncertain Significance.

NM_201384.3(PLEC):c.4136A>T (p.His1379Leu)

Gene: PLEC (plectin; minus strand). Cytogenetic location: 8q24.3.
Variant type: single nucleotide variant.
Coding change: c.4136A>T on transcript NM_201384.3 (MANE Select); coding-DNA position 4136, A replaced by T.
Protein change: p.His1379Leu; replaces histidine 1379 with leucine.
Molecular consequence: missense variant.
Genome position (GRCh38, 1-based): chr8:143,925,793, T>A on the plus strand (A>T on the coding strand, the complement: PLEC is on the minus strand). VCF-style: chr8-143925793-T-A. GRCh37 (hg19) VCF-style: chr8-144999961-T-A.
Other names: c.4217A>T, p.His1406Leu (NM_000445.5); c.4094A>T, p.His1365Leu (NM_201378.4); c.4070A>T, p.His1357Leu (NM_201379.3); c.4547A>T, p.His1516Leu (NM_201380.4); c.4040A>T, p.His1347Leu (NM_201381.3); c.4136A>T, p.His1379Leu (NM_201382.4); c.4148A>T, p.His1383Leu (NM_201383.3); short protein forms H1347L, H1357L, H1365L, H1379L, H1383L, H1406L, H1516L.
Identifiers: ClinVar variation 1713409 (VCV001713409.6), dbSNP rs2538106786, ClinGen allele CA372560999.